The following is an entry in ClinVar:

NM_033026.6(PCLO):c.4784A>G (p.Glu1595Gly)

Gene: PCLO (piccolo presynaptic cytomatrix protein; minus strand). Cytogenetic location: 7q21.11.
Variant type: single nucleotide variant.
Coding change: c.4784A>G on transcript NM_033026.6 (MANE Select); coding-DNA position 4784, A replaced by G.
Protein change: p.Glu1595Gly; replaces glutamic acid 1595 with glycine.
Molecular consequence: missense variant.
Genome position (GRCh38, 1-based): chr7:82,956,169, T>C on the plus strand (A>G on the coding strand, the complement: PCLO is on the minus strand). VCF-style: chr7-82956169-T-C. GRCh37 (hg19) VCF-style: chr7-82585485-T-C.
Other names: c.4784A>G, p.Glu1595Gly (NM_014510.3); short protein forms E1595G.
Identifiers: ClinVar variation 2086858 (VCV002086858.4), dbSNP rs1188097435, ClinGen allele CA367925979.

ClinVar aggregate classification (germline): Uncertain significance (1 of 4 stars; one submission).

Allele frequency attached by ClinVar (database versions not stated): gnomAD exomes below 0.00001; gnomAD 0.00001.
gnomAD v4.1: 3 of 1,608,958 alleles (0.00019%); highest among the groups gnomAD compares: Non-Finnish European, 0.00025%; no homozygotes.

Submission:

Labcorp Genetics (formerly Invitae), Labcorp
Classification: Uncertain significance. Last evaluated: 2022-01-17. Review status: criteria provided, single submitter. Criteria: Invitae Variant Classification Sherloc (09022015). Collection method: clinical testing. Allele origin: germline.
Comment: In summary, the available evidence is currently insufficient to determine the role of this variant in disease. Therefore, it has been classified as a Variant of Uncertain Significance. Algorithms developed to predict the effect of missense changes on protein structure and function are either unavailable or do not agree on the potential impact of this missense change (SIFT: "Deleterious"; PolyPhen-2: "Not Available"; Align-GVGD: "Class C0"). This variant has not been reported in the literature in individuals affected with PCLO-related conditions. This variant is present in population databases (no rsID available, gnomAD 0.0009%). This sequence change replaces glutamic acid, which is acidic and polar, with glycine, which is neutral and non-polar, at codon 1595 of the PCLO protein (p.Glu1595Gly).